The following is an entry in ClinVar:

NM_144997.7(FLCN):c.1672A>T (p.Ser558Cys)

Gene: FLCN (folliculin; minus strand). Cytogenetic location: 17p11.2.
Variant type: single nucleotide variant.
Coding change: c.1672A>T on transcript NM_144997.7 (MANE Select); coding-DNA position 1672, A replaced by T.
Protein change: p.Ser558Cys; replaces serine 558 with cysteine.
Molecular consequence: missense variant.
Genome position (GRCh38, 1-based): chr17:17,213,723, T>A on the plus strand (A>T on the coding strand, the complement: FLCN is on the minus strand). VCF-style: chr17-17213723-T-A. GRCh37 (hg19) VCF-style: chr17-17117037-T-A.
Other names: c.1726A>T, p.Ser576Cys (NM_001353229.2); c.1672A>T, p.Ser558Cys (NM_001353230.2, NM_001353231.2); short protein forms S558C, S576C.
Identifiers: ClinVar variation 1952017 (VCV001952017.6), dbSNP rs2046818012, ClinGen allele CA398529888.

ClinVar aggregate classification (germline): Uncertain significance. Review status: criteria provided, multiple submitters, no conflicts (2 of 4 stars). 2 submissions from 2 submitters: Uncertain significance (2). Last evaluated 2024-10-13.

Conditions:
Birt-Hogg-Dube syndrome. Also called: Birt Hogg Dubé syndrome. Identifiers: Orphanet 122, MedGen C0346010, MONDO:0800444.
Hereditary cancer-predisposing syndrome. Also called: Tumor predisposition; Hereditary neoplastic syndrome; Hereditary Cancer Syndrome; Neoplastic Syndromes, Hereditary. Identifiers: Orphanet 140162, MedGen C0027672, MeSH D009386, MONDO:0015356.

Submissions (2):

Ambry Genetics
Classification: Uncertain significance for Hereditary cancer-predisposing syndrome. Last evaluated: 2024-10-13. Review status: criteria provided, single submitter. Criteria: Ambry Variant Classification Scheme 2023. Collection method: clinical testing. Allele origin: germline.
Comment: The p.S558C variant (also known as c.1672A>T), located in coding exon 11 of the FLCN gene, results from an A to T substitution at nucleotide position 1672. The serine at codon 558 is replaced by cysteine, an amino acid with dissimilar properties. This amino acid position is conserved. In addition, this alteration is predicted to be deleterious by in silico analysis. Based on the available evidence, the clinical significance of this variant remains unclear.

Labcorp Genetics (formerly Invitae), Labcorp
Classification: Uncertain significance for Birt-Hogg-Dube syndrome. Last evaluated: 2022-03-16. Review status: criteria provided, single submitter. Criteria: Invitae Variant Classification Sherloc (09022015). Collection method: clinical testing. Allele origin: germline.
Comment: This variant has not been reported in the literature in individuals affected with FLCN-related conditions. Algorithms developed to predict the effect of missense changes on protein structure and function are either unavailable or do not agree on the potential impact of this missense change (SIFT: "Deleterious"; PolyPhen-2: "Probably Damaging"; Align-GVGD: "Class C15"). In summary, the available evidence is currently insufficient to determine the role of this variant in disease. Therefore, it has been classified as a Variant of Uncertain Significance. This variant is not present in population databases (gnomAD no frequency). This sequence change replaces serine, which is neutral and polar, with cysteine, which is neutral and slightly polar, at codon 558 of the FLCN protein (p.Ser558Cys).